The following is an entry in ClinVar:

ClinVar aggregate classification (germline): Uncertain significance (1 of 4 stars; one submission).

Conditions:
Congenital disorder of glycosylation (CDG). Also called: Carbohydrate-deficient glycoprotein syndrome; Congenital disorders of glycosylation. Identifiers: Orphanet 137, MedGen C0282577, MONDO:0015286.

Allele frequency attached by ClinVar (database versions not stated): ExAC 0.00002; gnomAD 0.00002; gnomAD exomes 0.00002; TOPMed 0.00008.

Submissions (3):

Labcorp Genetics (formerly Invitae), Labcorp
Classification: Uncertain significance for Congenital disorder of glycosylation. Last evaluated: 2022-10-13. Review status: criteria provided, single submitter. Criteria: Invitae Variant Classification Sherloc (09022015). Collection method: clinical testing. Allele origin: germline.
Comment: This variant has not been reported in the literature in individuals affected with RPN2-related conditions. This variant is present in population databases (rs372064976, gnomAD 0.01%). This sequence change replaces alanine, which is neutral and non-polar, with valine, which is neutral and non-polar, at codon 160 of the RPN2 protein (p.Ala160Val). ClinVar contains an entry for this variant (Variation ID: 1026317). Algorithms developed to predict the effect of missense changes on protein structure and function are either unavailable or do not agree on the potential impact of this missense change (SIFT: "Not Available"; PolyPhen-2: "Benign"; Align-GVGD: "Not Available"). Algorithms developed to predict the effect of sequence changes on RNA splicing suggest that this variant may create or strengthen a splice site. In summary, the available evidence is currently insufficient to determine the role of this variant in disease. Therefore, it has been classified as a Variant of Uncertain Significance.

Dr. Peter K. Rogan Lab, Western University
No classification provided (evidence only). Condition: Malignant tumor of urinary bladder. Review status: no classification provided. Collection method: in vitro. Allele origin: not applicable. Functional consequence: retained intron. Not counted in ClinVar's aggregate classification.

Dr. Peter K. Rogan Lab, Western University
No classification provided (evidence only). Condition: Thymoma. Review status: no classification provided. Collection method: in vitro. Allele origin: not applicable. Functional consequence: retained intron. Not counted in ClinVar's aggregate classification.

NM_002951.5(RPN2):c.479C>T (p.Ala160Val)

Gene: RPN2 (ribophorin II; plus strand). Cytogenetic location: 20q11.23.
Variant type: single nucleotide variant.
Coding change: c.479C>T on transcript NM_002951.5 (MANE Select); coding-DNA position 479, C replaced by T.
Protein change: p.Ala160Val; replaces alanine 160 with valine.
Molecular consequence: missense variant. On other transcripts: intron variant (1).
Genome position (GRCh38, 1-based): chr20:37,199,225, C>T. VCF-style: chr20-37199225-C-T. GRCh37 (hg19) VCF-style: chr20-35827628-C-T.
Other names: c.479C>T, p.Ala160Val (NM_001324304.2, NM_001324305.2, NM_001324299.2 and 3 more transcripts); c.9-4660C>T (NM_001324306.2); c.383C>T, p.Ala128Val (NM_001135771.3); short protein forms A128V, A160V.
Identifiers: ClinVar variation 1026317 (VCV001026317.7), dbSNP rs372064976, ClinGen allele CA9846860.
Genomic context (GRCh38, chr20:37,199,225, plus strand): 5'-CATCCCAAGAAGCACTCAGTGCCCTTACTGCTCGTCTCAGCAAGGAGGAGACTGTGCTGG[C>T]GTGAGTTGTCATCTCGAGCATTTCTCAGGCTTCATTTGTCTCGGGTCCTATCCGAAGAGG-3'
Protein context (NP_002942.2, residues 150-170): ARLSKEETVL[Ala160Val]TVQALQTASH